The following is an entry in ClinVar:

NM_138927.4(SON):c.1352A>T (p.Gln451Leu)

Gene: SON (SON DNA and RNA binding protein; plus strand). Cytogenetic location: 21q22.11.
Variant type: single nucleotide variant.
Coding change: c.1352A>T on transcript NM_138927.4 (MANE Select); coding-DNA position 1352, A replaced by T.
Protein change: p.Gln451Leu; replaces glutamine 451 with leucine.
Molecular consequence: missense variant. On other transcripts: non-coding transcript variant (1), intron variant (1).
Genome position (GRCh38, 1-based): chr21:33,550,583, A>T. VCF-style: chr21-33550583-A-T. GRCh37 (hg19) VCF-style: chr21-34922889-A-T.
Other names: c.1352A>T, p.Gln451Leu (NM_001291411.2, NM_001412133.1, NM_032195.3 and 2 more transcripts); c.244+4204A>T (NM_001291412.3); short protein forms Q451L.
Identifiers: ClinVar variation 2069988 (VCV002069988.4), dbSNP rs2085748832, ClinGen allele CA410153635.

ClinVar aggregate classification (germline): Uncertain significance (1 of 4 stars; one submission).

Allele frequency attached by ClinVar (database versions not stated): gnomAD exomes below 0.00001.
gnomAD v4.1: 1 of 1,613,698 alleles (0.000062%); highest among the groups gnomAD compares: Non-Finnish European, 0.000085%; no homozygotes.

Submission:

Labcorp Genetics (formerly Invitae), Labcorp
Classification: Uncertain significance. Last evaluated: 2022-12-06. Review status: criteria provided, single submitter. Criteria: Invitae Variant Classification Sherloc (09022015). Collection method: clinical testing. Allele origin: germline.
Comment: In summary, the available evidence is currently insufficient to determine the role of this variant in disease. Therefore, it has been classified as a Variant of Uncertain Significance. Algorithms developed to predict the effect of missense changes on protein structure and function are either unavailable or do not agree on the potential impact of this missense change (SIFT: "Deleterious"; PolyPhen-2: "Probably Damaging"; Align-GVGD: "Class C0"). This variant has not been reported in the literature in individuals affected with SON-related conditions. This variant is not present in population databases (gnomAD no frequency). This sequence change replaces glutamine, which is neutral and polar, with leucine, which is neutral and non-polar, at codon 451 of the SON protein (p.Gln451Leu).